The following is an entry in ClinVar:

ClinVar aggregate classification (germline): Pathogenic (1 of 4 stars; one submission).

Conditions:
Mucopolysaccharidosis, MPS-III-C (MPS3C). Also called: SANFILIPPO SYNDROME C; MPS III C; mucopolysaccharidosis type 3C; MUCOPOLYSACCHARIDOSIS, TYPE IIIC; MPS IIIC (Sanfilippo Syndrome Type C); Mucopolysaccharidosis type IIIC (Sanfilippo C). Identifiers: Orphanet 581, Orphanet 79271, MedGen C0086649, MONDO:0009657, OMIM 252930.
Retinitis pigmentosa 73 (RP73). Identifiers: Orphanet 791, MedGen C4225287, MONDO:0014687, OMIM 616544.

Submission:

Labcorp Genetics (formerly Invitae), Labcorp
Classification: Pathogenic for Retinitis pigmentosa 73; Mucopolysaccharidosis, MPS-III-C. Last evaluated: 2022-05-05. Review status: criteria provided, single submitter. Criteria: Invitae Variant Classification Sherloc (09022015). Collection method: clinical testing. Allele origin: germline.
Comment: For these reasons, this variant has been classified as Pathogenic. Algorithms developed to predict the effect of sequence changes on RNA splicing suggest that this variant may create or strengthen a splice site. This variant has not been reported in the literature in individuals affected with HGSNAT-related conditions. This variant is not present in population databases (gnomAD no frequency). This sequence change creates a premature translational stop signal (p.Glu212*) in the HGSNAT gene. It is expected to result in an absent or disrupted protein product. Loss-of-function variants in HGSNAT are known to be pathogenic (PMID: 17033958, 19479962).

Literature cited by the submitters: PubMed 17033958; PubMed 19479962.

NM_152419.3(HGSNAT):c.634G>T (p.Glu212Ter)

Gene: HGSNAT (heparan-alpha-glucosaminide N-acetyltransferase; plus strand). Cytogenetic location: 8p11.21.
Variant type: single nucleotide variant.
Coding change: c.634G>T on transcript NM_152419.3 (MANE Select); coding-DNA position 634, G replaced by T.
Protein change: p.Glu212Ter; replaces glutamic acid 212 with a stop codon.
Molecular consequence: nonsense. On other transcripts: 5 prime UTR variant (1).
Genome position (GRCh38, 1-based): chr8:43,170,585, G>T. VCF-style: chr8-43170585-G-T. GRCh37 (hg19) VCF-style: chr8-43025728-G-T.
Other names: c.634G>T, p.Glu212Ter (NM_001363227.2, NM_001363228.2); c.-200G>T (NM_001363229.2); short protein forms E212*.
Identifiers: ClinVar variation 2134034 (VCV002134034.4), dbSNP rs2130745641, ClinGen allele CA371116059.